The following is an entry in ClinVar:

NM_001017995.3(SH3PXD2B):c.1939G>C (p.Ala647Pro)

Gene: SH3PXD2B (SH3 and PX domains 2B; minus strand). Cytogenetic location: 5q35.1.
Variant type: single nucleotide variant.
Coding change: c.1939G>C on transcript NM_001017995.3 (MANE Select); coding-DNA position 1939, G replaced by C.
Protein change: p.Ala647Pro; replaces alanine 647 with proline.
Molecular consequence: missense variant. On other transcripts: intron variant (1).
Genome position (GRCh38, 1-based): chr5:172,339,166, C>G on the plus strand (G>C on the coding strand, the complement: SH3PXD2B is on the minus strand). VCF-style: chr5-172339166-C-G. GRCh37 (hg19) VCF-style: chr5-171766170-C-G.
Other names: c.1188+6970G>C (NM_001308175.2); short protein forms A647P.
Identifiers: ClinVar variation 2731201 (VCV002731201.1), dbSNP rs749007960, ClinGen allele CA3561072.

ClinVar aggregate classification (germline): Uncertain significance (1 of 4 stars; one submission).

Allele frequency attached by ClinVar (database versions not stated): TOPMed 0.00003; ExAC 0.00006.
gnomAD v4.1: 20 of 1,614,206 alleles (0.0012%); highest among the groups gnomAD compares: Admixed American, 0.023%; no homozygotes.

Submission:

Labcorp Genetics (formerly Invitae), Labcorp
Classification: Uncertain significance. Last evaluated: 2023-03-20. Review status: criteria provided, single submitter. Criteria: Invitae Variant Classification Sherloc (09022015). Collection method: clinical testing. Allele origin: germline.
Comment: In summary, the available evidence is currently insufficient to determine the role of this variant in disease. Therefore, it has been classified as a Variant of Uncertain Significance. An algorithm developed to predict the effect of missense changes on protein structure and function (PolyPhen-2) suggests that this variant¬† is likely to be tolerated. This variant has not been reported in the literature in individuals affected with SH3PXD2B-related conditions. This variant is present in population databases (rs749007960, gnomAD 0.04%). This sequence change replaces alanine, which is neutral and non-polar, with proline, which is neutral and non-polar, at codon 647 of the SH3PXD2B protein (p.Ala647Pro).